The following is an entry in ClinVar:

ClinVar aggregate classification (germline): Likely benign (1 of 4 stars; one submission).

Allele frequency attached by ClinVar (database versions not stated): ExAC 0.00008; ESP Exome Variant Server 0.00008; gnomAD 0.00009; TOPMed 0.00009; gnomAD exomes 0.00019.

Submission:

CeGaT Center for Human Genetics Tuebingen
Classification: Likely benign. Last evaluated: 2023-02-01. Review status: criteria provided, single submitter. Criteria: CeGaT Center For Human Genetics Tuebingen Variant Classification Criteria Version 2. Collection method: clinical testing. Allele origin: germline. Affected: yes. Observed: 1 variant allele.
Comment: EPPK1: BP4, BP7

NM_031308.4(EPPK1):c.3066G>A (p.Val1022=)

Gene: EPPK1 (epiplakin 1; minus strand). Cytogenetic location: 8q24.3.
Variant type: single nucleotide variant.
Coding change: c.3066G>A on transcript NM_031308.4 (MANE Select); coding-DNA position 3066, G replaced by A.
Protein change: p.Val1022=; no amino-acid change (valine 1022 retained).
Molecular consequence: synonymous variant.
Genome position (GRCh38, 1-based): chr8:143,870,188, C>T on the plus strand (G>A on the coding strand, the complement: EPPK1 is on the minus strand). VCF-style: chr8-143870188-C-T. GRCh37 (hg19) VCF-style: chr8-144944356-C-T.
Identifiers: ClinVar variation 2658936 (VCV002658936.24), dbSNP rs200870842, ClinGen allele CA4922880.